The following is an entry in ClinVar:

NM_013382.7(POMT2):c.2116A>G (p.Ile706Val)

Gene: POMT2 (protein O-mannosyltransferase 2; minus strand). Cytogenetic location: 14q24.3.
Variant type: single nucleotide variant.
Coding change: c.2116A>G on transcript NM_013382.7 (MANE Select); coding-DNA position 2116, A replaced by G.
Protein change: p.Ile706Val; replaces isoleucine 706 with valine.
Molecular consequence: missense variant.
Genome position (GRCh38, 1-based): chr14:77,278,425, T>C on the plus strand (A>G on the coding strand, the complement: POMT2 is on the minus strand). VCF-style: chr14-77278425-T-C. GRCh37 (hg19) VCF-style: chr14-77744768-T-C.
Other names: short protein forms I706V.
Identifiers: ClinVar variation 1436660 (VCV001436660.5), dbSNP rs1352547589, ClinGen allele CA390513397.

ClinVar aggregate classification (germline): Uncertain significance (1 of 4 stars; one submission).

Conditions:
Muscular dystrophy-dystroglycanopathy (congenital with brain and eye anomalies), type A2. Also called: MUSCULAR DYSTROPHY-DYSTROGLYCANOPATHY (CONGENITAL WITH BRAIN AND EYE ANOMALIES), TYPE A, 2; WALKER-WARBURG SYNDROME OR MUSCLE-EYE-BRAIN DISEASE, POMT2-RELATED. Identifiers: Orphanet 588, Orphanet 899, MedGen C3150411, MONDO:0013154, OMIM 613150.
Autosomal recessive limb-girdle muscular dystrophy type 2N. Also called: MUSCULAR DYSTROPHY-DYSTROGLYCANOPATHY, LIMB-GIRDLE, POMT2-RELATED; Muscular dystrophy-dystroglycanopathy (limb-girdle), type C, 2. Identifiers: Orphanet 206559, MedGen C3150418, MONDO:0013162, OMIM 613158.
Muscular dystrophy-dystroglycanopathy (congenital with impaired intellectual development), type B, 2. Also called: MUSCULAR DYSTROPHY, CONGENITAL, POMT2-RELATED; Muscular dystrophy-dystroglycanopathy (congenital with intellectual disability), type B2. Identifiers: MedGen C3150416, MONDO:0013160, OMIM 613156.

Allele frequency attached by ClinVar (database versions not stated): TOPMed below 0.00001; gnomAD exomes 0.00001.
gnomAD v4.1: 10 of 1,484,210 alleles (0.00067%); highest among the groups gnomAD compares: South Asian, 0.006%; no homozygotes.

Submission:

Labcorp Genetics (formerly Invitae), Labcorp
Classification: Uncertain significance for Muscular dystrophy-dystroglycanopathy (congenital with impaired intellectual development), type B, 2; Muscular dystrophy-dystroglycanopathy (congenital with brain and eye anomalies), type A2; Autosomal recessive limb-girdle muscular dystrophy type 2N. Last evaluated: 2021-08-14. Review status: criteria provided, single submitter. Criteria: Invitae Variant Classification Sherloc (09022015). Collection method: clinical testing. Allele origin: germline.
Comment: This sequence change replaces isoleucine with valine at codon 706 of the POMT2 protein (p.Ile706Val). The isoleucine residue is moderately conserved and there is a small physicochemical difference between isoleucine and valine. This variant is not present in population databases (ExAC no frequency). This variant has not been reported in the literature in individuals affected with POMT2-related conditions. Algorithms developed to predict the effect of missense changes on protein structure and function output the following: SIFT: "Tolerated"; PolyPhen-2: "Benign"; Align-GVGD: "Class C0". The valine amino acid residue is found in multiple mammalian species, which suggests that this missense change does not adversely affect protein function. In summary, the available evidence is currently insufficient to determine the role of this variant in disease. Therefore, it has been classified as a Variant of Uncertain Significance.